The following is an entry in ClinVar:

ClinVar aggregate classification (germline): Uncertain significance. Review status: criteria provided, single submitter (1 of 4 stars). 2 submissions from 2 submitters: Uncertain significance (1). 1 of the submissions does not count toward it. Last evaluated 2019-07-30.

Conditions:
Developmental and epileptic encephalopathy 111 (DEE111). Identifiers: MedGen C5882690, MONDO:0957780, OMIM 620504.
Familial focal epilepsy with variable foci (FPEVF). Identifiers: Orphanet 98820, MedGen C1858477, MONDO:0020310.

gnomAD v4.1: 1 of 1,606,492 alleles (0.000062%); highest among the groups gnomAD compares: Non-Finnish European, 0.000085%; no homozygotes.

Submissions (2):

Labcorp Genetics (formerly Invitae), Labcorp
Classification: Uncertain significance for Familial focal epilepsy with variable foci. Last evaluated: 2019-07-30. Review status: criteria provided, single submitter. Criteria: Invitae Variant Classification Sherloc (09022015). Collection method: clinical testing. Allele origin: germline.
Comment: In summary, the available evidence is currently insufficient to determine the role of this variant in disease. Therefore, it has been classified as a Variant of Uncertain Significance. Algorithms developed to predict the effect of missense changes on protein structure and function are either unavailable or do not agree on the potential impact of this missense change (SIFT: "Deleterious"; PolyPhen-2: "Not Available"; Align-GVGD: "Class C65"). This variant has not been reported in the literature in individuals with DEPDC5-related disease. This variant is not present in population databases (ExAC no frequency). This sequence change replaces threonine with arginine at codon 337 of the DEPDC5 protein (p.Thr337Arg). The threonine residue is highly conserved and there is a moderate physicochemical difference between threonine and arginine.

OMIM
Classification: Pathogenic for DEVELOPMENTAL AND EPILEPTIC ENCEPHALOPATHY 111. Last evaluated: 2023-12-08. Review status: no assertion criteria provided. Collection method: literature only. Allele origin: germline. Not counted in ClinVar's aggregate classification.

Literature cited by the submitters: Ververi, A., Zagaglia, S., Menzies, L., Baptista, J., Caswell, R., Baulac, S., Ellard, S., Lynch, S., Genomics England Research Consortium, Jacques, T. S., Chawla, M. S., Heier, M., and 27 others Germline homozygous missense DEPDC5 variants cause severe refractory early-onset epilepsy, macrocephaly and bilateral polymicrogyria. Hum. Molec. Genet. 32: 580-594, 2023. (cited by OMIM).

NM_001242896.3(DEPDC5):c.1010C>G (p.Thr337Arg)

Gene: DEPDC5 (DEP domain containing 5, GATOR1 subcomplex subunit; plus strand). Cytogenetic location: 22q12.3.
Variant type: single nucleotide variant.
Coding change: c.1010C>G on transcript NM_001242896.3 (MANE Select); coding-DNA position 1010, C replaced by G.
Protein change: p.Thr337Arg; replaces threonine 337 with arginine.
Molecular consequence: missense variant. On other transcripts: non-coding transcript variant (5).
Genome position (GRCh38, 1-based): chr22:31,802,767, C>G. VCF-style: chr22-31802767-C-G. GRCh37 (hg19) VCF-style: chr22-32198753-C-G.
Other names: c.1010C>G, p.Thr337Arg (NM_001007188.4, NM_001136029.4, NM_001242897.2 and 7 more transcripts); c.926C>G, p.Thr309Arg (NM_001369901.1, NM_001369902.1); short protein forms T309R, T337R.
Identifiers: ClinVar variation 655043 (VCV000655043.12), dbSNP rs1037878155, ClinGen allele CA411292868.